The following is an entry in ClinVar:

ClinVar aggregate classification (germline): Uncertain significance (1 of 4 stars; one submission).

Submission:

Women's Health and Genetics/Laboratory Corporation of America, LabCorp
Classification: Uncertain significance. Last evaluated: 2021-09-17. Review status: criteria provided, single submitter. Criteria: LabCorp Variant Classification Summary - May 2015. Collection method: clinical testing. Allele origin: germline.
Comment: Variant summary: The variant identified by MLPA or other technology involves the deletion of exon 17 in the ADGRV1 gene. A presumed nomenclature of c.(3022+1_3023-1)_(3289+1_3290-1)del has been designated for the purposes of this classification. Although exact breakpoints of this deletion are not known, it is expected to result in a large in-frame deletion change in the ADGRV1 gene, with the removal of amino acids 1008-1096 that would affect one of the calx-beta tandem repeat motifs (i.e. calx-beta 8: amino acids 993 - 1093; UniProt) of the encoded protein. The variant was absent in 21694 control chromosomes (gnomAD structural variants dataset). The available data on variant occurrences in the general population are insufficient to allow any conclusion about variant significance. To our knowledge, no occurrence of c.(3022+1_3023-1)_(3289+1_3290-1)del in individuals affected with Usher Syndrome and no experimental evidence demonstrating its impact on protein function have been reported. One clinical diagnostic laboratory has submitted clinical-significance assessments for this variant to ClinVar after 2014, and classified the variant as uncertain significance. Based on the evidence outlined above, the variant was classified as uncertain significance.

NC_000005.9:g.(89941909_89943314)_(89943582_89947420)del

Gene: ADGRV1 (adhesion G protein-coupled receptor V1; plus strand). Cytogenetic location: 5q14.3.
Variant type: Deletion.
Identifiers: ClinVar variation 1301376 (VCV001301376.1).